The following is an entry in ClinVar:

NM_004655.4(AXIN2):c.550G>A (p.Glu184Lys)

Gene: AXIN2 (axin 2; minus strand). Cytogenetic location: 17q24.1.
Variant type: single nucleotide variant.
Coding change: c.550G>A on transcript NM_004655.4 (MANE Select); coding-DNA position 550, G replaced by A.
Protein change: p.Glu184Lys; replaces glutamic acid 184 with lysine.
Molecular consequence: missense variant.
Genome position (GRCh38, 1-based): chr17:65,558,071, C>T on the plus strand (G>A on the coding strand, the complement: AXIN2 is on the minus strand). VCF-style: chr17-65558071-C-T. GRCh37 (hg19) VCF-style: chr17-63554189-C-T.
Other names: c.550G>A (LRG_296t1); c.550G>A, p.Glu184Lys (NM_001363813.1); short protein forms E184K.
Identifiers: ClinVar variation 408804 (VCV000408804.13), dbSNP rs538659423, ClinGen allele CA16615623.

ClinVar aggregate classification (germline): Uncertain significance. Review status: criteria provided, multiple submitters, no conflicts (2 of 4 stars). 3 submissions from 3 submitters: Uncertain significance (3). Last evaluated 2025-12-23.

Conditions:
Hereditary cancer-predisposing syndrome. Also called: Hereditary Cancer Syndrome; Hereditary neoplastic syndrome; Neoplastic Syndromes, Hereditary; Tumor predisposition. Identifiers: Orphanet 140162, MedGen C0027672, MeSH D009386, MONDO:0015356.
Oligodontia-cancer predisposition syndrome. Also called: TOOTH AGENESIS-COLORECTAL CANCER SYNDROME. Identifiers: Orphanet 300576, MedGen C1837750, MONDO:0012075, OMIM 608615. Disease mechanism: loss of function.

Allele frequency attached by ClinVar (database versions not stated): gnomAD exomes below 0.00001; gnomAD 0.00001; 1000 Genomes Project 30x 0.00016; 1000 Genomes Project 0.00020.
gnomAD v4.1: 4 of 1,614,128 alleles (0.00025%); highest among the groups gnomAD compares: East Asian, 0.0022%; no homozygotes.

Submissions (3):

Labcorp Genetics (formerly Invitae), Labcorp
Classification: Uncertain significance for Oligodontia-cancer predisposition syndrome. Last evaluated: 2025-12-23. Review status: criteria provided, single submitter. Criteria: Invitae Variant Classification Sherloc (09022015). Collection method: clinical testing. Allele origin: germline.
Comment: This sequence change replaces glutamic acid, which is acidic and polar, with lysine, which is basic and polar, at codon 184 of the AXIN2 protein (p.Glu184Lys). This variant is not present in population databases (gnomAD no frequency). This variant has not been reported in the literature in individuals affected with AXIN2-related conditions. ClinVar contains an entry for this variant (Variation ID: 408804). Invitae Evidence Modeling of protein sequence and biophysical properties (such as structural, functional, and spatial information, amino acid conservation, physicochemical variation, residue mobility, and thermodynamic stability) has been performed for this missense variant. However, the output from this modeling did not meet the statistical confidence thresholds required to predict the impact of this variant on AXIN2 protein function. In summary, the available evidence is currently insufficient to determine the role of this variant in disease. Therefore, it has been classified as a Variant of Uncertain Significance.

Ambry Genetics
Classification: Uncertain significance for Hereditary cancer-predisposing syndrome. Last evaluated: 2025-03-29. Review status: criteria provided, single submitter. Criteria: Ambry Variant Classification Scheme 2023. Collection method: clinical testing. Allele origin: germline.
Comment: The p.E184K variant (also known as c.550G>A), located in coding exon 1 of the AXIN2 gene, results from a G to A substitution at nucleotide position 550. The glutamic acid at codon 184 is replaced by lysine, an amino acid with similar properties. This amino acid position is conserved. In addition, this alteration is predicted to be tolerated by in silico analysis. Based on the available evidence, the clinical significance of this variant remains unclear.

GeneDx
Classification: Uncertain significance. Last evaluated: 2024-08-27. Review status: criteria provided, single submitter. Criteria: GeneDx Variant Classification Process June 2021. Collection method: clinical testing. Allele origin: germline. Affected: yes.
Comment: Not observed at significant frequency in large population cohorts (gnomAD); In silico analysis supports that this missense variant has a deleterious effect on protein structure/function; Has not been previously published as pathogenic or benign to our knowledge; This variant is associated with the following publications: (PMID: 15735151)